The following is an entry in ClinVar:

ClinVar aggregate classification (germline): Uncertain significance (1 of 4 stars; one submission).

Submission:

Women's Health and Genetics/Laboratory Corporation of America, LabCorp
Classification: Uncertain significance. Last evaluated: 2026-02-17. Review status: criteria provided, single submitter. Criteria: LabCorp Variant Classification Summary - May 2015. Collection method: clinical testing. Allele origin: germline.
Comment: Variant summary: HPRT1 c.648C>A (p.Tyr216X) results in a premature termination codon in the last exon and is predicted to cause a truncation of the encoded protein, however nonsense mediated decay is not expected to occur. The variant was absent in 183241 control chromosomes. The available data on variant occurrences in the general population are insufficient to allow any conclusion about variant significance. To our knowledge, no occurrence of c.648C>A in individuals affected with HPRT1-related conditions and no experimental evidence demonstrating its impact on protein function have been reported. No submitters have cited clinical-significance assessments for this variant to ClinVar. Based on the evidence outlined above, the variant was classified as uncertain significance.

NM_000194.3(HPRT1):c.648C>A (p.Tyr216Ter)

Gene: HPRT1 (hypoxanthine phosphoribosyltransferase 1; plus strand). Cytogenetic location: Xq26.3.
Variant type: single nucleotide variant.
Coding change: c.648C>A on transcript NM_000194.3 (MANE Select); coding-DNA position 648, C replaced by A.
Protein change: p.Tyr216Ter; replaces tyrosine 216 with a stop codon.
Molecular consequence: nonsense.
Genome position (GRCh38, 1-based): chrX:134,500,068, C>A. VCF-style: chrX-134500068-C-A. GRCh37 (hg19) VCF-style: chrX-133634098-C-A.
Other names: short protein forms Y216*.
Identifiers: ClinVar variation 4848318 (VCV004848318.1).